The following is an entry in ClinVar:

NM_001083111.2(GNRH1):c.238G>C (p.Glu80Gln)

Gene: GNRH1 (gonadotropin releasing hormone 1; minus strand). Cytogenetic location: 8p21.2.
Variant type: single nucleotide variant.
Coding change: c.238G>C on transcript NM_001083111.2 (MANE Select); coding-DNA position 238, G replaced by C.
Protein change: p.Glu80Gln; replaces glutamic acid 80 with glutamine.
Molecular consequence: missense variant.
Genome position (GRCh38, 1-based): chr8:25,419,460, C>G on the plus strand (G>C on the coding strand, the complement: GNRH1 is on the minus strand). VCF-style: chr8-25419460-C-G. GRCh37 (hg19) VCF-style: chr8-25276976-C-G.
Other names: c.250G>C, p.Glu84Gln (NM_000825.3); short protein forms E80Q, E84Q.
Identifiers: ClinVar variation 773401 (VCV000773401.12), dbSNP rs146523104, ClinGen allele CA4683602.
Genomic context (GRCh38, chr8:25,419,460, plus strand): 5'-TCCTTCTGGCCCAATGGATTTAAATCTTCTTCTGCCCAGTTTCCTCTTCAATCAGACTTT[C>G]CTGAAAAATATATAACAAATATATCAAGACTGACTTTACCAGCTGAATTTCATTACATTT-3'
Protein context (NP_001076580.1, residues 70-90): SPLRDLKGAL[Glu80Gln]SLIEEETGQK

ClinVar aggregate classification (germline): Benign. Review status: criteria provided, multiple submitters, no conflicts (2 of 4 stars). 3 submissions from 3 submitters: Benign (3). Last evaluated 2026-09-01.

Allele frequency attached by ClinVar (database versions not stated): gnomAD 0.00546 and 0.00591; ESP Exome Variant Server 0.00613; TOPMed 0.00614; gnomAD exomes 0.00141; ExAC 0.00164; 1000 Genomes Project 0.00439; 1000 Genomes Project 30x 0.00453.
gnomAD v4.1: 1,510 of 1,415,232 alleles (0.11%); highest among the groups gnomAD compares: African/African-American, 1.9%; 11 homozygotes.

Submissions (9):

CeGaT Center for Human Genetics Tuebingen
Classification: Benign. Last evaluated: 2026-09-01. Review status: criteria provided, single submitter. Criteria: CeGaT Center For Human Genetics Tuebingen Variant Classification Criteria Version 2. Collection method: clinical testing. Allele origin: germline. Affected: yes. Observed: 1 variant allele.
Comment: GNRH1: BP4, BS1, BS2

Labcorp Genetics (formerly Invitae), Labcorp
Classification: Benign. Last evaluated: 2025-12-17. Review status: criteria provided, single submitter. Criteria: Invitae Variant Classification Sherloc (09022015). Collection method: clinical testing. Allele origin: germline.

Breakthrough Genomics
Classification: Benign. Review status: criteria provided, single submitter. Criteria: ACMG Guidelines, 2015. Collection method: not provided. Allele origin: germline. Inheritance: Autosomal recessive inheritance. Affected: yes.

Dr. Peter K. Rogan Lab, Western University
No classification provided (evidence only). Condition: Clear cell carcinoma of kidney. Review status: no classification provided. Collection method: in vitro. Allele origin: not applicable. Functional consequence: retained intron. Not counted in ClinVar's aggregate classification.

Dr. Peter K. Rogan Lab, Western University
No classification provided (evidence only). Condition: Familial cancer of breast. Review status: no classification provided. Collection method: in vitro. Allele origin: not applicable. Functional consequence: retained intron. Not counted in ClinVar's aggregate classification.

Dr. Peter K. Rogan Lab, Western University
No classification provided (evidence only). Condition: Uterine corpus endometrial carcinoma. Review status: no classification provided. Collection method: in vitro. Allele origin: not applicable. Functional consequence: retained intron. Not counted in ClinVar's aggregate classification.

Dr. Peter K. Rogan Lab, Western University
No classification provided (evidence only). Condition: Cervical cancer. Review status: no classification provided. Collection method: in vitro. Allele origin: not applicable. Functional consequence: retained intron. Not counted in ClinVar's aggregate classification.

Dr. Peter K. Rogan Lab, Western University
No classification provided (evidence only). Condition: Sarcoma. Review status: no classification provided. Collection method: in vitro. Allele origin: not applicable. Functional consequence: retained intron. Not counted in ClinVar's aggregate classification.

Dr. Peter K. Rogan Lab, Western University
No classification provided (evidence only). Condition: Gastric cancer. Review status: no classification provided. Collection method: in vitro. Allele origin: not applicable. Functional consequence: retained intron. Not counted in ClinVar's aggregate classification.